The following is an entry in ClinVar:

ClinVar aggregate classification (germline): Likely benign (1 of 4 stars; one submission).

Allele frequency attached by ClinVar (database versions not stated): gnomAD exomes 0.00020; ExAC 0.00026; ESP Exome Variant Server 0.00069; 1000 Genomes Project 30x 0.00078; gnomAD 0.00078 and 0.00085; 1000 Genomes Project 0.00080; TOPMed 0.00084.
gnomAD v4.1: 228 of 1,610,304 alleles (0.014%); highest among the groups gnomAD compares: African/African-American, 0.28%; no homozygotes.

Submission:

GeneDx
Classification: Likely benign. Last evaluated: 2015-12-08. Review status: criteria provided, single submitter. Criteria: GeneDx Variant Classification (06012015). Collection method: clinical testing. Allele origin: germline. Affected: yes.
Comment: This variant is considered likely benign or benign based on one or more of the following criteria: it is a conservative change, it occurs at a poorly conserved position in the protein, it is predicted to be benign by multiple in silico algorithms, and/or has population frequency not consistent with disease.

NM_014365.3(HSPB8):c.-35T>A

Gene: HSPB8 (heat shock protein family B (small) member 8; plus strand). Cytogenetic location: 12q24.23.
Variant type: single nucleotide variant.
Coding change: c.-35T>A on transcript NM_014365.3 (MANE Select); 35 bases upstream of the start codon, T replaced by A.
Molecular consequence: 5 prime UTR variant.
Genome position (GRCh38, 1-based): chr12:119,179,278, T>A. VCF-style: chr12-119179278-T-A. GRCh37 (hg19) VCF-style: chr12-119617083-T-A.
Identifiers: ClinVar variation 379936 (VCV000379936.1), dbSNP rs377147867, ClinGen allele CA6819470.
Genomic context (GRCh38, chr12:119,179,278, plus strand): 5'-ATAAGCTAGCCCAGCCACACCACCTTGTTGTGTGACCTTGGGCAGGTGGTTCTGTCTCTC[T>A]GAGCCTCTGTTTCTCTCTGAGCTGAGCAGCCACCATGGCTGACGGTCAGATGCCCTTCTC-3'